The following is an entry in ClinVar:

ClinVar aggregate classification (germline): Uncertain significance (1 of 4 stars; one submission).

Conditions:
Long QT syndrome (LQTS). Identifiers: MedGen C0023976, MeSH D008133, MONDO:0002442. Disease mechanism: loss of function. Inheritance: Various modes of inheritance.

Submission:

Labcorp Genetics (formerly Invitae), Labcorp
Classification: Uncertain significance for Long QT syndrome. Last evaluated: 2025-07-09. Review status: criteria provided, single submitter. Criteria: Invitae Variant Classification Sherloc (09022015). Collection method: clinical testing. Allele origin: germline.
Comment: This sequence change replaces valine, which is neutral and non-polar, with leucine, which is neutral and non-polar, at codon 92 of the KCNJ5 protein (p.Val92Leu). This variant is not present in population databases (gnomAD no frequency). This variant has not been reported in the literature in individuals affected with KCNJ5-related conditions. Invitae Evidence Modeling of protein sequence and biophysical properties (such as structural, functional, and spatial information, amino acid conservation, physicochemical variation, residue mobility, and thermodynamic stability) indicates that this missense variant is not expected to disrupt KCNJ5 protein function with a negative predictive value of 80%. In summary, the available evidence is currently insufficient to determine the role of this variant in disease. Therefore, it has been classified as a Variant of Uncertain Significance.

NM_000890.5(KCNJ5):c.274G>C (p.Val92Leu)

Gene: KCNJ5 (potassium inwardly rectifying channel subfamily J member 5; plus strand). Cytogenetic location: 11q24.3.
Variant type: single nucleotide variant.
Coding change: c.274G>C on transcript NM_000890.5 (MANE Select); coding-DNA position 274, G replaced by C.
Protein change: p.Val92Leu; replaces valine 92 with leucine.
Molecular consequence: missense variant.
Genome position (GRCh38, 1-based): chr11:128,911,547, G>C. VCF-style: chr11-128911547-G-C. GRCh37 (hg19) VCF-style: chr11-128781442-G-C.
Other names: c.274G>C, p.Val92Leu (NM_001354169.2); short protein forms V92L.
Identifiers: ClinVar variation 4737867 (VCV004737867.1).